The following is an entry in ClinVar:

NM_001035.3(RYR2):c.1304C>T (p.Ala435Val)

Gene: RYR2 (ryanodine receptor 2; plus strand). Cytogenetic location: 1q43.
Variant type: single nucleotide variant.
Coding change: c.1304C>T on transcript NM_001035.3 (MANE Select); coding-DNA position 1304, C replaced by T.
Protein change: p.Ala435Val; replaces alanine 435 with valine.
Molecular consequence: missense variant.
Genome position (GRCh38, 1-based): chr1:237,454,402, C>T. VCF-style: chr1-237454402-C-T. GRCh37 (hg19) VCF-style: chr1-237617702-C-T.
Other names: short protein forms A435V.
Identifiers: ClinVar variation 1332335 (VCV001332335.5), dbSNP rs757313291, ClinGen allele CA085289.

ClinVar aggregate classification (germline): Uncertain significance. Review status: criteria provided, multiple submitters, no conflicts (2 of 4 stars). 2 submissions from 2 submitters: Uncertain significance (2). Last evaluated 2024-09-23.

Conditions:
Cardiomyopathy (CMYO). Also called: Cardiomyopathies. Identifiers: Orphanet 167848, MedGen C0878544, MONDO:0004994, HP:0001638. Inheritance: Various modes of inheritance.
Catecholaminergic polymorphic ventricular tachycardia (CVPT). Also called: Catecholamine-induced polymorphic ventricular tachycardia. Identifiers: Orphanet 3286, MedGen C5574922, MONDO:0017990.

Allele frequency attached by ClinVar (database versions not stated): TOPMed below 0.00001; gnomAD 0.00001; gnomAD exomes 0.00002 and 0.00003; ExAC 0.00004.
gnomAD v4.1: 28 of 1,606,486 alleles (0.0017%); highest among the groups gnomAD compares: South Asian, 0.028%; no homozygotes.

Submissions (2):

All of Us Research Program, National Institutes of Health
Classification: Uncertain significance for Catecholaminergic polymorphic ventricular tachycardia. Last evaluated: 2024-09-23. Review status: criteria provided, single submitter. Criteria: ACMG Guidelines, 2015. Collection method: clinical testing. Allele origin: germline. Inheritance: Autosomal dominant inheritance. Observed: 1 variant allele, 1 heterozygote.
Comment: This missense variant replaces alanine with valine at codon 435 of the RYR2 protein. Computational prediction suggests that this variant may not impact protein structure and function (internally defined REVEL score threshold <= 0.5, PMID: 27666373). To our knowledge, functional studies have not been reported for this variant. This variant has not been reported in individuals affected with cardiovascular disorders in the literature. This variant has been identified in 8/243226 chromosomes in the general population by the Genome Aggregation Database (gnomAD). The available evidence is insufficient to determine the role of this variant in disease conclusively. Therefore, this variant is classified as a Variant of Uncertain Significance.

This study involves interpretation of variants in research participants for the purpose of population health screening. Participant phenotype was not available at the time of variant classification. Additional details can be found in publication PMID: 35346344, PMCID: PMC8962531

Color Diagnostics, LLC DBA Color Health
Classification: Uncertain significance for Cardiomyopathy. Last evaluated: 2024-03-07. Review status: criteria provided, single submitter. Criteria: ACMG Guidelines, 2015. Collection method: clinical testing. Allele origin: germline.
Comment: This missense variant replaces alanine with valine at codon 435 of the RYR2 protein. Computational prediction suggests that this variant may not impact protein structure and function (internally defined REVEL score threshold <= 0.5, PMID: 27666373). To our knowledge, functional studies have not been reported for this variant. This variant has not been reported in individuals affected with cardiovascular disorders in the literature. This variant has been identified in 8/243226 chromosomes in the general population by the Genome Aggregation Database (gnomAD). The available evidence is insufficient to determine the role of this variant in disease conclusively. Therefore, this variant is classified as a Variant of Uncertain Significance.